The following is an entry in ClinVar:

NM_003072.5(SMARCA4):c.2106C>T (p.Asp702=)

Gene: SMARCA4 (SWI/SNF related BAF chromatin remodeling complex subunit ATPase 4; plus strand). Cytogenetic location: 19p13.2.
Variant type: single nucleotide variant.
Coding change: c.2106C>T on transcript NM_003072.5 (MANE Select); coding-DNA position 2106, C replaced by T.
Protein change: p.Asp702=; no amino-acid change (aspartic acid 702 retained).
Molecular consequence: synonymous variant. On other transcripts: non-coding transcript variant (1).
Genome position (GRCh38, 1-based): chr19:11,008,006, C>T. VCF-style: chr19-11008006-C-T. GRCh37 (hg19) VCF-style: chr19-11118682-C-T.
Other names: c.2106C>T, p.Asp702= (NM_001128844.3, NM_001128845.2, NM_001128846.2 and 4 more transcripts).
Identifiers: ClinVar variation 706714 (VCV000706714.17), dbSNP rs758781256, ClinGen allele CA9204005.

ClinVar aggregate classification (germline): Likely benign. Review status: criteria provided, multiple submitters, no conflicts (2 of 4 stars). 3 submissions from 3 submitters: Likely benign (2). 1 of the submissions does not count toward it. Last evaluated 2025-11-10.

Conditions:
SMARCA4-related disorder. Also called: SMARCA4-related condition.
Rhabdoid tumor predisposition syndrome 2 (RTPS2). Identifiers: Orphanet 231108, Orphanet 69077, MedGen C2750074, MONDO:0013224, OMIM 613325.
Hereditary cancer-predisposing syndrome. Also called: Neoplastic Syndromes, Hereditary; Hereditary Cancer Syndrome; Tumor predisposition; Hereditary neoplastic syndrome. Identifiers: Orphanet 140162, MedGen C0027672, MeSH D009386, MONDO:0015356.

Allele frequency attached by ClinVar (database versions not stated): TOPMed 0.00002; gnomAD exomes 0.00001; ExAC 0.00002.
gnomAD v4.1: 12 of 1,613,312 alleles (0.00074%); highest among the groups gnomAD compares: Middle Eastern, 0.016%; no homozygotes.

Submissions (3):

Labcorp Genetics (formerly Invitae), Labcorp
Classification: Likely benign for Rhabdoid tumor predisposition syndrome 2. Last evaluated: 2025-11-10. Review status: criteria provided, single submitter. Criteria: Invitae Variant Classification Sherloc (09022015). Collection method: clinical testing. Allele origin: germline.

Ambry Genetics
Classification: Likely benign for Hereditary cancer-predisposing syndrome. Last evaluated: 2018-03-08. Review status: criteria provided, single submitter. Criteria: Ambry Variant Classification Scheme 2023. Collection method: clinical testing. Allele origin: germline.

PreventionGenetics, part of Exact Sciences
Classification: Likely benign for SMARCA4-related condition. Last evaluated: 2021-11-24. Review status: no assertion criteria provided. Collection method: clinical testing. Allele origin: germline. Not counted in ClinVar's aggregate classification.
Comment: This variant is classified as likely benign based on ACMG/AMP sequence variant interpretation guidelines (Richards et al. 2015 PMID: 25741868, with internal and published modifications).